The following is an entry in ClinVar:

NM_001256545.2(MEGF10):c.1424C>T (p.Ala475Val)

Gene: MEGF10 (multiple EGF like domains 10; plus strand). Cytogenetic location: 5q23.2.
Variant type: single nucleotide variant.
Coding change: c.1424C>T on transcript NM_001256545.2 (MANE Select); coding-DNA position 1424, C replaced by T.
Protein change: p.Ala475Val; replaces alanine 475 with valine.
Molecular consequence: missense variant.
Genome position (GRCh38, 1-based): chr5:127,419,238, C>T. VCF-style: chr5-127419238-C-T. GRCh37 (hg19) VCF-style: chr5-126754930-C-T.
Other names: c.1424C>T, p.Ala475Val (NM_001308119.2, NM_001308121.2, NM_032446.3); short protein forms A475V.
Identifiers: ClinVar variation 661138 (VCV000661138.9), dbSNP rs1580846493, ClinGen allele CA360729473.

ClinVar aggregate classification (germline): Uncertain significance (1 of 4 stars; one submission).

Conditions:
MEGF10-related myopathy (CMYO10A). Also called: Congenital myopathy 10A, severe variant. Identifiers: Orphanet 439212, MedGen C3280679, MONDO:0013731, OMIM 614399.

Submission:

Labcorp Genetics (formerly Invitae), Labcorp
Classification: Uncertain significance for MEGF10-related myopathy. Last evaluated: 2022-06-04. Review status: criteria provided, single submitter. Criteria: Invitae Variant Classification Sherloc (09022015). Collection method: clinical testing. Allele origin: germline.
Comment: In summary, the available evidence is currently insufficient to determine the role of this variant in disease. Therefore, it has been classified as a Variant of Uncertain Significance. Algorithms developed to predict the effect of sequence changes on RNA splicing suggest that this variant may disrupt the consensus splice site. Algorithms developed to predict the effect of missense changes on protein structure and function are either unavailable or do not agree on the potential impact of this missense change (SIFT: "Deleterious"; PolyPhen-2: "Benign"; Align-GVGD: "Class C25"). ClinVar contains an entry for this variant (Variation ID: 661138). This variant has not been reported in the literature in individuals affected with MEGF10-related conditions. This variant is not present in population databases (gnomAD no frequency). This sequence change replaces alanine, which is neutral and non-polar, with valine, which is neutral and non-polar, at codon 475 of the MEGF10 protein (p.Ala475Val).